The following is an entry in ClinVar:

NM_005996.4(TBX3):c.789A>G (p.Ala263=)

Gene: TBX3 (T-box transcription factor 3; minus strand). Cytogenetic location: 12q24.21.
Variant type: single nucleotide variant.
Coding change: c.789A>G on transcript NM_005996.4 (MANE Select); coding-DNA position 789, A replaced by G.
Protein change: p.Ala263=; no amino-acid change (alanine 263 retained).
Molecular consequence: synonymous variant.
Genome position (GRCh38, 1-based): chr12:114,679,520, T>C on the plus strand (A>G on the coding strand, the complement: TBX3 is on the minus strand). VCF-style: chr12-114679520-T-C. GRCh37 (hg19) VCF-style: chr12-115117325-T-C.
Other names: c.849A>G (NM_016569.3); c.849A>G, p.Ala283= (NM_016569.4).
Identifiers: ClinVar variation 1555774 (VCV001555774.10), dbSNP rs754665748, ClinGen allele CA6810095.

ClinVar aggregate classification (germline): Benign. Review status: criteria provided, single submitter (1 of 4 stars). 2 submissions from 2 submitters: Benign (1). 1 of the submissions does not count toward it. Last evaluated 2025-07-21.

Conditions:
TBX3-related disorder. Also called: TBX3-related condition.
Ulnar-mammary syndrome (UMS). Also called: Ulnar-mammary syndrome of Pallister; PALLISTER ULNAR-MAMMARY SYNDROME; SCHINZEL SYNDROME. Identifiers: Orphanet 3138, MedGen C1866994, MONDO:0008411, OMIM 181450.

Allele frequency attached by ClinVar (database versions not stated): TOPMed 0.00004; gnomAD exomes 0.00006 and 0.00012; ExAC 0.00007.
gnomAD v4.1: 34 of 1,614,216 alleles (0.0021%); highest among the groups gnomAD compares: Admixed American, 0.057%; no homozygotes.

Submissions (2):

Labcorp Genetics (formerly Invitae), Labcorp
Classification: Benign for Ulnar-mammary syndrome. Last evaluated: 2025-07-21. Review status: criteria provided, single submitter. Criteria: Invitae Variant Classification Sherloc (09022015). Collection method: clinical testing. Allele origin: germline.

PreventionGenetics, part of Exact Sciences
Classification: Likely benign for TBX3-related condition. Last evaluated: 2023-08-03. Review status: no assertion criteria provided. Collection method: clinical testing. Allele origin: germline. Not counted in ClinVar's aggregate classification.
Comment: This variant is classified as likely benign based on ACMG/AMP sequence variant interpretation guidelines (Richards et al. 2015 PMID: 25741868, with internal and published modifications).